The following is an entry in ClinVar:

ClinVar aggregate classification (germline): Benign/Likely benign. Review status: criteria provided, multiple submitters, no conflicts (2 of 4 stars). 12 submissions from 12 submitters: Benign (10); Likely benign (1). 1 of the submissions does not count toward it. Last evaluated 2026-06-26.

Conditions:
Fanconi anemia (FA). Also called: Fanconi's anemia. Identifiers: Orphanet 84, MedGen C0015625, MeSH D005199, MONDO:0019391.
Fanconi anemia complementation group A (FANCA). Also called: Fanconi anemia, group A; FANCA-Related Fanconi Anemia. Identifiers: Orphanet 84, MedGen C3469521, MONDO:0009215, OMIM 227650.

Allele frequency attached by ClinVar (database versions not stated): TOPMed 0.05741; gnomAD 0.05872 and 0.05997; ESP Exome Variant Server 0.05940; ExAC 0.06558; 1000 Genomes Project 30x 0.06793; 1000 Genomes Project 0.07208.
gnomAD v4.1: 122,806 of 1,608,136 alleles (7.6%); highest among the groups gnomAD compares: East Asian, 17%; 5,674 homozygotes.

Submissions (12):

Women's Health and Genetics/Laboratory Corporation of America, LabCorp
Classification: Benign. Last evaluated: 2026-06-26. Review status: criteria provided, single submitter. Criteria: LabCorp Variant Classification Summary - May 2015. Collection method: clinical testing. Allele origin: germline.

Labcorp Genetics (formerly Invitae), Labcorp
Classification: Benign for Fanconi anemia. Last evaluated: 2026-02-04. Review status: criteria provided, single submitter. Criteria: Invitae Variant Classification Sherloc (09022015). Collection method: clinical testing. Allele origin: germline.

ARUP Laboratories, Molecular Genetics and Genomics, ARUP Laboratories
Classification: Benign for Fanconi anemia complementation group A. Last evaluated: 2025-07-28. Review status: criteria provided, single submitter. Criteria: ARUP Molecular Germline Variant Investigation Process 2024. Collection method: clinical testing. Allele origin: germline.

GeneKor MSA
Classification: Benign for Fanconi anemia complementation group A. Last evaluated: 2025-07-10. Review status: criteria provided, single submitter. Criteria: ACMG Guidelines, 2015. Collection method: clinical testing. Allele origin: germline.

Blueprint Genetics
Classification: Likely benign. Last evaluated: 2024-11-27. Review status: criteria provided, single submitter. Criteria: ACMG Guidelines, 2015. Collection method: clinical testing. Allele origin: germline.

KCCC/NGS Laboratory, Kuwait Cancer Control Center
Classification: Benign for Fanconi anemia complementation group A. Last evaluated: 2023-07-07. Review status: criteria provided, single submitter. Criteria: ACMG Guidelines, 2015. Collection method: clinical testing. Allele origin: germline. Affected: yes.

Mayo Clinic Laboratories, Mayo Clinic
Classification: Benign. Last evaluated: 2022-09-06. Review status: criteria provided, single submitter. Criteria: ACMG Guidelines, 2015. Collection method: clinical testing. Allele origin: germline. Observed: 188 variant alleles.

GeneDx
Classification: Benign. Last evaluated: 2019-02-02. Review status: criteria provided, single submitter. Criteria: GeneDx Variant Classification Process June 2021. Collection method: clinical testing. Allele origin: germline. Affected: yes.

Illumina Laboratory Services, Illumina
Classification: Benign for Fanconi anemia complementation group A. Last evaluated: 2018-01-13. Review status: criteria provided, single submitter. Criteria: ICSL Variant Classification Criteria 13 December 2019. Collection method: clinical testing. Allele origin: germline.
Comment: This variant was observed in the ICSL laboratory as part of a predisposition screen in an ostensibly healthy population. It had not been previously curated by ICSL or reported in the Human Gene Mutation Database (HGMD: prior to June 1st, 2018), and was therefore a candidate for classification through an automated scoring system. Utilizing variant allele frequency, disease prevalence and penetrance estimates, and inheritance mode, an automated score was calculated to assess if this variant is too frequent to cause the disease. Based on the score and internal cut-off values, a variant classified as benign is not then subjected to further curation. The score for this variant resulted in a classification of benign for this disease.

Breakthrough Genomics
Classification: Benign. Review status: criteria provided, single submitter. Criteria: ACMG Guidelines, 2015. Collection method: not provided. Allele origin: germline. Inheritance: Autosomal recessive inheritance. Affected: yes.

PreventionGenetics, part of Exact Sciences
Classification: Benign. Review status: criteria provided, single submitter. Criteria: ACMG Guidelines, 2015. Collection method: clinical testing. Allele origin: germline.

Natera, Inc.
Classification: Benign for Fanconi anemia, group A. Last evaluated: 2020-09-16. Review status: no assertion criteria provided. Collection method: clinical testing. Allele origin: germline. Not counted in ClinVar's aggregate classification.

NM_000135.4(FANCA):c.2779-7T>C

Gene: FANCA (FA complementation group A; minus strand). Cytogenetic location: 16q24.3.
Variant type: single nucleotide variant.
Coding change: c.2779-7T>C on transcript NM_000135.4 (MANE Select); 7 bases into the intron before coding-DNA position 2779, T replaced by C.
Molecular consequence: intron variant.
Genome position (GRCh38, 1-based): chr16:89,762,029, A>G on the plus strand (T>C on the coding strand, the complement: FANCA is on the minus strand). VCF-style: chr16-89762029-A-G. GRCh37 (hg19) VCF-style: chr16-89828437-A-G.
Other names: p.?; c.2779-7T>C (LRG_495t1, NM_001286167.3, NM_000135.3).
Identifiers: ClinVar variation 255250 (VCV000255250.34), dbSNP rs17233253, ClinGen allele CA8251504.